The following is an entry in ClinVar:

ClinVar aggregate classification (germline): Likely pathogenic. Review status: criteria provided, single submitter (1 of 4 stars). 2 submissions from 2 submitters: Likely pathogenic (1). 1 of the submissions does not count toward it. Last evaluated 2026-06-29.

Conditions:
CFTR-related disorder (CFTR-RD). Also called: CFTR-related disorders; CFTR-related condition. Identifiers: MedGen C5924204, MONDO:7770004.
Cystic fibrosis (CF). Also called: MUCOVISCIDOSIS. Identifiers: Orphanet 586, MedGen C0010674, MONDO:0009061, OMIM 219700. Disease mechanism: loss of function.

Submissions (2):

PreventionGenetics, part of Exact Sciences
Classification: Likely pathogenic for CFTR-related condition. Last evaluated: 2026-06-29. Review status: criteria provided, single submitter. Criteria: ACMG Guidelines, 2015. Collection method: clinical testing. Allele origin: germline.
Comment: The CFTR c.1767-1G>A variant is predicted to disrupt the AG splice acceptor site and interfere with normal splicing. This variant has been reported in an individual in a cohort study of cystic fibrosis carrier screening (Table S3, Beauchamp et al. 2019. PubMed ID: 31036917). This variant has not been reported in a large population database (gnomAD), indicating this variant is rare. Variants that disrupt the consensus splice acceptor site in CFTR are expected to be pathogenic. This variant is interpreted as likely pathogenic.

Counsyl
Classification: Likely pathogenic for Cystic fibrosis. Last evaluated: 2017-10-03. Review status: no assertion criteria provided. Collection method: clinical testing. Allele origin: unknown. Not counted in ClinVar's aggregate classification.

NM_000492.4(CFTR):c.1767-1G>A

Gene: CFTR (CF transmembrane conductance regulator; plus strand). Cytogenetic location: 7q31.2.
Variant type: single nucleotide variant.
Coding change: c.1767-1G>A on transcript NM_000492.4 (MANE Select); the canonical splice acceptor site of the intron before coding-DNA position 1767, G replaced by A.
Molecular consequence: splice acceptor variant.
Genome position (GRCh38, 1-based): chr7:117,591,933, G>A. VCF-style: chr7-117591933-G-A. GRCh37 (hg19) VCF-style: chr7-117231987-G-A.
Identifiers: ClinVar variation 554196 (VCV000554196.3), dbSNP rs1554389241, ClinGen allele CA368977709.
Genomic context (GRCh38, chr7:117,591,933, plus strand): 5'-CGAGACATATTGCAATAAAGTATTTATAAAATTGATATTTATATGTTTTTATATCTTAAA[G>A]CTGTGTCTGTAAACTGATGGCTAACAAAACTAGGATTTTGGTCACTTCTAAAATGGAACA-3'